The following is an entry in ClinVar:

ClinVar aggregate classification (germline): Uncertain significance (1 of 4 stars; one submission).

Allele frequency attached by ClinVar (database versions not stated): gnomAD 0.00001; 1000 Genomes Project 30x 0.00016; TOPMed below 0.00001; gnomAD exomes below 0.00001; ExAC 0.00001; 1000 Genomes Project 0.00020.
gnomAD v4.1: 4 of 1,614,050 alleles (0.00025%); highest among the groups gnomAD compares: Admixed American, 0.0033%; no homozygotes.

Submission:

Labcorp Genetics (formerly Invitae), Labcorp
Classification: Uncertain significance. Last evaluated: 2025-05-06. Review status: criteria provided, single submitter. Criteria: Invitae Variant Classification Sherloc (09022015). Collection method: clinical testing. Allele origin: germline.
Comment: This sequence change replaces isoleucine, which is neutral and non-polar, with valine, which is neutral and non-polar, at codon 1766 of the CACNA1D protein (p.Ile1766Val). This variant is present in population databases (rs530789782, gnomAD 0.003%). This variant has not been reported in the literature in individuals affected with CACNA1D-related conditions. ClinVar contains an entry for this variant (Variation ID: 2720643). An algorithm developed to predict the effect of missense changes on protein structure and function outputs the following: PolyPhen-2: "Benign". The valine amino acid residue is found in multiple mammalian species, which suggests that this missense change does not adversely affect protein function. In summary, the available evidence is currently insufficient to determine the role of this variant in disease. Therefore, it has been classified as a Variant of Uncertain Significance.

NM_001128840.3(CACNA1D):c.5236A>G (p.Ile1746Val)

Gene: CACNA1D (calcium voltage-gated channel subunit alpha1 D; plus strand). Cytogenetic location: 3p21.1.
Variant type: single nucleotide variant.
Coding change: c.5236A>G on transcript NM_001128840.3 (MANE Select); coding-DNA position 5236, A replaced by G.
Protein change: p.Ile1746Val; replaces isoleucine 1746 with valine.
Molecular consequence: missense variant.
Genome position (GRCh38, 1-based): chr3:53,801,253, A>G. VCF-style: chr3-53801253-A-G. GRCh37 (hg19) VCF-style: chr3-53835280-A-G.
Other names: c.5296A>G, p.Ile1766Val (NM_000720.4); c.5191A>G, p.Ile1731Val (NM_001128839.3); short protein forms I1731V, I1746V, I1766V.
Identifiers: ClinVar variation 2720643 (VCV002720643.3), dbSNP rs530789782, ClinGen allele CA2455089.